The following is an entry in ClinVar:

ClinVar aggregate classification (germline): Uncertain significance (1 of 4 stars; one submission).

Conditions:
TRPC5-related disorder. Also called: TRPC5-related condition.

Submission:

PreventionGenetics, part of Exact Sciences
Classification: Uncertain significance for TRPC5-related condition. Last evaluated: 2025-05-15. Review status: criteria provided, single submitter. Criteria: ACMG Guidelines, 2015. Collection method: clinical testing. Allele origin: germline.
Comment: The TRPC5 c.2591T>A variant is predicted to result in the amino acid substitution p.Met864Lys. To our knowledge, this variant has not been reported in the literature or in a large population database (gnomAD), indicating this variant is rare. At this time, the clinical significance of this variant is uncertain due to the absence of conclusive functional and genetic evidence.

NM_012471.3(TRPC5):c.2591T>A (p.Met864Lys)

Gene: TRPC5 (transient receptor potential cation channel subfamily C member 5; minus strand). Cytogenetic location: Xq23.
Variant type: single nucleotide variant.
Coding change: c.2591T>A on transcript NM_012471.3 (MANE Select); coding-DNA position 2591, T replaced by A.
Protein change: p.Met864Lys; replaces methionine 864 with lysine.
Molecular consequence: missense variant.
Genome position (GRCh38, 1-based): chrX:111,776,644, A>T on the plus strand (T>A on the coding strand, the complement: TRPC5 is on the minus strand). VCF-style: chrX-111776644-A-T. GRCh37 (hg19) VCF-style: chrX-111019872-A-T.
Other names: short protein forms M864K.
Identifiers: ClinVar variation 4983324 (VCV004983324.1).